The following is an entry in ClinVar:

ClinVar aggregate classification (germline): Uncertain significance (1 of 4 stars; one submission).

gnomAD v4.1: 2 of 1,614,034 alleles (0.00012%); highest among the groups gnomAD compares: Non-Finnish European, 0.00017%; no homozygotes.

Submission:

Labcorp Genetics (formerly Invitae), Labcorp
Classification: Uncertain significance. Last evaluated: 2025-05-26. Review status: criteria provided, single submitter. Criteria: Invitae Variant Classification Sherloc (09022015). Collection method: clinical testing. Allele origin: germline.
Comment: This sequence change replaces tyrosine, which is neutral and polar, with histidine, which is basic and polar, at codon 36 of the GABRB1 protein (p.Tyr36His). This variant is not present in population databases (gnomAD no frequency). This variant has not been reported in the literature in individuals affected with GABRB1-related conditions. Invitae Evidence Modeling of protein sequence and biophysical properties (such as structural, functional, and spatial information, amino acid conservation, physicochemical variation, residue mobility, and thermodynamic stability) indicates that this missense variant is not expected to disrupt GABRB1 protein function with a negative predictive value of 80%. In summary, the available evidence is currently insufficient to determine the role of this variant in disease. Therefore, it has been classified as a Variant of Uncertain Significance.

NM_000812.4(GABRB1):c.106T>C (p.Tyr36His)

Gene: GABRB1 (gamma-aminobutyric acid type A receptor subunit beta1; plus strand). Cytogenetic location: 4p12.
Variant type: single nucleotide variant.
Coding change: c.106T>C on transcript NM_000812.4 (MANE Select); coding-DNA position 106, T replaced by C.
Protein change: p.Tyr36His; replaces tyrosine 36 with histidine.
Molecular consequence: missense variant.
Genome position (GRCh38, 1-based): chr4:47,031,939, T>C. VCF-style: chr4-47031939-T-C. GRCh37 (hg19) VCF-style: chr4-47033956-T-C.
Other names: short protein forms Y36H.
Identifiers: ClinVar variation 4744556 (VCV004744556.1).